The following is an entry in ClinVar:

ClinVar aggregate classification (germline): Uncertain significance (1 of 4 stars; one submission).

Allele frequency attached by ClinVar (database versions not stated): gnomAD exomes below 0.00001; gnomAD 0.00001; 1000 Genomes Project 30x 0.00016; 1000 Genomes Project 0.00020.
gnomAD v4.1: 3 of 1,597,632 alleles (0.00019%); highest among the groups gnomAD compares: East Asian, 0.0022%; no homozygotes.

Submission:

Labcorp Genetics (formerly Invitae), Labcorp
Classification: Uncertain significance. Last evaluated: 2023-07-12. Review status: criteria provided, single submitter. Criteria: Invitae Variant Classification Sherloc (09022015). Collection method: clinical testing. Allele origin: germline.
Comment: This variant is not present in population databases (gnomAD no frequency). This sequence change replaces proline, which is neutral and non-polar, with serine, which is neutral and polar, at codon 149 of the POLE2 protein (p.Pro149Ser). In summary, the available evidence is currently insufficient to determine the role of this variant in disease. Therefore, it has been classified as a Variant of Uncertain Significance. An algorithm developed to predict the effect of missense changes on protein structure and function (PolyPhen-2) suggests that this variant is likely to be disruptive. This variant has not been reported in the literature in individuals affected with POLE2-related conditions.

NM_002692.4(POLE2):c.445C>T (p.Pro149Ser)

Gene: POLE2 (DNA polymerase epsilon 2, accessory subunit; minus strand). Cytogenetic location: 14q21.3.
Variant type: single nucleotide variant.
Coding change: c.445C>T on transcript NM_002692.4 (MANE Select); coding-DNA position 445, C replaced by T.
Protein change: p.Pro149Ser; replaces proline 149 with serine.
Molecular consequence: missense variant.
Genome position (GRCh38, 1-based): chr14:49,669,571, G>A on the plus strand (C>T on the coding strand, the complement: POLE2 is on the minus strand). VCF-style: chr14-49669571-G-A. GRCh37 (hg19) VCF-style: chr14-50136289-G-A.
Other names: c.367C>T, p.Pro123Ser (NM_001197330.2); c.445C>T, p.Pro149Ser (NM_001197331.3, NM_001348384.2); c.214C>T, p.Pro72Ser (NM_001348385.2); short protein forms P123S, P149S, P72S.
Identifiers: ClinVar variation 2777901 (VCV002777901.3), dbSNP rs533179294, ClinGen allele CA260658824.
Genomic context (GRCh38, chr14:49,669,571, plus strand): 5'-ATAATGTTCTAACCTGGAATTTGCTTCCGCTTTCATCAGGGTGAGAACCTATCACCGGAG[G>A]AGTAAATAATTCATGCCTGTGGGTCCTCTATAAAAAAGAAAGATTCACATGAATTCCTGA-3'
Protein context (NP_002683.2, residues 139-159): QRTHRHELFT[Pro149Ser]PVIGSHPDES